The following is an entry in ClinVar:

NM_001369268.1(ACAN):c.991C>T (p.His331Tyr)

Gene: ACAN (aggrecan; plus strand). Cytogenetic location: 15q26.1.
Variant type: single nucleotide variant.
Coding change: c.991C>T on transcript NM_001369268.1 (MANE Select); coding-DNA position 991, C replaced by T.
Protein change: p.His331Tyr; replaces histidine 331 with tyrosine.
Molecular consequence: missense variant.
Genome position (GRCh38, 1-based): chr15:88,843,588, C>T. VCF-style: chr15-88843588-C-T. GRCh37 (hg19) VCF-style: chr15-89386819-C-T.
Other names: c.991C>T, p.His331Tyr (NM_001135.4, NM_001411096.1, NM_001411097.1 and 1 more transcripts); short protein forms H331Y.
Identifiers: ClinVar variation 4810193 (VCV004810193.1).

ClinVar aggregate classification (germline): Uncertain significance (1 of 4 stars; one submission).

gnomAD v4.1: 5 of 1,605,756 alleles (0.00031%); highest among the groups gnomAD compares: East Asian, 0.0022%; no homozygotes.

Submission:

Labcorp Genetics (formerly Invitae), Labcorp
Classification: Uncertain significance. Last evaluated: 2025-09-03. Review status: criteria provided, single submitter. Criteria: Invitae Variant Classification Sherloc (09022015). Collection method: clinical testing. Allele origin: germline.
Comment: This sequence change replaces histidine, which is basic and polar, with tyrosine, which is neutral and polar, at codon 331 of the ACAN protein (p.His331Tyr). This variant is not present in population databases (gnomAD no frequency). This variant has not been reported in the literature in individuals affected with ACAN-related conditions. Invitae Evidence Modeling of protein sequence and biophysical properties (such as structural, functional, and spatial information, amino acid conservation, physicochemical variation, residue mobility, and thermodynamic stability) indicates that this missense variant is not expected to disrupt ACAN protein function with a negative predictive value of 80%. In summary, the available evidence is currently insufficient to determine the role of this variant in disease. Therefore, it has been classified as a Variant of Uncertain Significance.